The following is an entry in ClinVar:

NM_021625.5(TRPV4):c.184G>A (p.Asp62Asn)

Gene: TRPV4 (transient receptor potential cation channel subfamily V member 4; minus strand). Cytogenetic location: 12q24.11.
Variant type: single nucleotide variant.
Coding change: c.184G>A on transcript NM_021625.5 (MANE Select); coding-DNA position 184, G replaced by A.
Protein change: p.Asp62Asn; replaces aspartic acid 62 with asparagine.
Molecular consequence: missense variant.
Genome position (GRCh38, 1-based): chr12:109,814,613, C>T on the plus strand (G>A on the coding strand, the complement: TRPV4 is on the minus strand). VCF-style: chr12-109814613-C-T. GRCh37 (hg19) VCF-style: chr12-110252418-C-T.
Other names: c.184G>A, p.Asp62Asn (NM_001177428.2, NM_001177433.2, NM_147204.3); c.82G>A, p.Asp28Asn (NM_001177431.2); short protein forms D62N, D28N.
Identifiers: ClinVar variation 575960 (VCV000575960.16), dbSNP rs770149544, ClinGen allele CA6780598.

ClinVar aggregate classification (germline): Uncertain significance. Review status: criteria provided, multiple submitters, no conflicts (2 of 4 stars). 7 submissions from 7 submitters: Uncertain significance (5). 2 of the submissions do not count toward it. Last evaluated 2025-06-12.

Conditions:
Spondyloepimetaphyseal dysplasia, Maroteaux type (SEDM). Also called: Spondyloepimetaphyseal Dysplasia, TRPV4-Related (Maroteaux Type); SED, MAROTEAUX TYPE; PSEUDO-MORQUIO SYNDROME, TYPE 2. Identifiers: Orphanet 263482, MedGen C3159322, MONDO:0008473, OMIM 184095.
Avascular necrosis of femoral head, primary, 2 (ANFH2). Identifiers: MedGen C4479260, MONDO:0054551, OMIM 617383.
Familial digital arthropathy-brachydactyly. Identifiers: Orphanet 85169, MedGen C1847406, MONDO:0011732, OMIM 606835.
Metatropic dysplasia (MTD). Also called: Metatropic Dysplasia, TRPV4-Related; Metatropic dysplasia, nonlethal dominant; METATROPIC DWARFISM. Identifiers: Orphanet 2635, MedGen C0265281, MONDO:0007986, OMIM 156530.
Sodium serum level quantitative trait locus 1 (SSQTL1). Identifiers: MedGen C3150755, OMIM 613508.
Charcot-Marie-Tooth disease axonal type 2C (HMSN2C). Also called: Charcot-Marie-Tooth Disease Type 2, TRPV4-Related (CMT2C); CHARCOT-MARIE-TOOTH DISEASE, AXONAL, AUTOSOMAL DOMINANT, TYPE 2C; Charcot-Marie-Tooth Neuropathy Type 2C. Identifiers: Orphanet 99937, MedGen C1853710, MONDO:0011633, OMIM 606071.
Brachyrachia (short spine dysplasia) (BCYM3). Also called: BRACHYRACHIA; Brachyolmia, TRPV4-Related; Autosomal dominant brachyolmia; Brachyolmia Type 3. Identifiers: Orphanet 93304, MedGen C0432227, MONDO:0007232, OMIM 113500.
Parastremmatic dwarfism. Identifiers: Orphanet 2646, MedGen C1868616, MONDO:0008196, OMIM 168400.
Neuronopathy, distal hereditary motor, autosomal dominant 8. Also called: Autosomal dominant congenital benign spinal muscular atrophy; NEURONOPATHY, DISTAL HEREDITARY MOTOR, TYPE VIII; NEUROPATHY, DISTAL HEREDITARY MOTOR, TYPE VIII; SPINAL MUSCULAR ATROPHY, CONGENITAL BENIGN, WITH CONTRACTURES. Identifiers: Orphanet 1216, MedGen C1838492, MONDO:0010839, OMIM 600175.
Spondylometaphyseal dysplasia, Kozlowski type (SMDK). Also called: Dysmorphism arthrogryposis skeletal maturation advanced; Jequier-Kozlowski syndrome; Skeletal dysplasia Jequier-Kozlowski type; SMD Kozlowski type; Spondylometaphyseal Dysplasia, TRPV4-Related (Kozlowski Type). Identifiers: Orphanet 93314, MedGen C0265280, MONDO:0008477, OMIM 184252.
Scapuloperoneal spinal muscular atrophy (SPSMA). Also called: Scapuloperoneal Form of Spinal Muscular Atrophy; Scapuloperoneal Spinal Muscular Atrophy, TRPV4-Related; Scapuloperoneal spinal muscular atrophy, autosomal dominant; AMYOTROPHY, NEUROGENIC SCAPULOPERONEAL, NEW ENGLAND TYPE. Identifiers: Orphanet 431255, MedGen C0751335, MONDO:0008408, OMIM 181405.
Distal spinal muscular atrophy. Also called: Distal hereditary motor neuronopathy; Distal hereditary motor neuropathy. Identifiers: Orphanet 53739, MedGen C0393541, MONDO:0018894.
Inborn genetic diseases. Identifiers: MedGen C0950123, MeSH D030342.
Charcot-Marie-Tooth disease. Also called: Charcot-Marie-Tooth Hereditary Neuropathy; Charcot-Marie-Tooth Neuropathy. Identifiers: Orphanet 166, MedGen C0007959, MONDO:0015626.

Allele frequency attached by ClinVar (database versions not stated): gnomAD 0.00001; gnomAD exomes 0.00001; TOPMed below 0.00001; ExAC 0.00001.
gnomAD v4.1: 17 of 1,613,872 alleles (0.0011%); highest among the groups gnomAD compares: Admixed American, 0.0017%; no homozygotes.

Submissions (7):

Labcorp Genetics (formerly Invitae), Labcorp
Classification: Uncertain significance for Charcot-Marie-Tooth disease axonal type 2C. Last evaluated: 2025-06-12. Review status: criteria provided, single submitter. Criteria: Invitae Variant Classification Sherloc (09022015). Collection method: clinical testing. Allele origin: germline.
Comment: This sequence change replaces aspartic acid, which is acidic and polar, with asparagine, which is neutral and polar, at codon 62 of the TRPV4 protein (p.Asp62Asn). This variant is present in population databases (rs770149544, gnomAD 0.003%). This missense change has been observed in individual(s) with TRPV4-related conditions (PMID: 25900305, 39825153). ClinVar contains an entry for this variant (Variation ID: 575960). Invitae Evidence Modeling of protein sequence and biophysical properties (such as structural, functional, and spatial information, amino acid conservation, physicochemical variation, residue mobility, and thermodynamic stability) indicates that this missense variant is not expected to disrupt TRPV4 protein function with a negative predictive value of 95%. In summary, the available evidence is currently insufficient to determine the role of this variant in disease. Therefore, it has been classified as a Variant of Uncertain Significance.

Blueprint Genetics
Classification: Uncertain significance. Last evaluated: 2023-08-22. Review status: criteria provided, single submitter. Criteria: ACMG Guidelines, 2015. Collection method: clinical testing. Allele origin: germline.

Ambry Genetics
Classification: Uncertain significance for Inborn genetic diseases. Last evaluated: 2021-04-23. Review status: criteria provided, single submitter. Criteria: Ambry Variant Classification Scheme 2023. Collection method: clinical testing. Allele origin: germline.
Comment: The p.D62N variant (also known as c.184G>A), located in coding exon 1 of the TRPV4 gene, results from a G to A substitution at nucleotide position 184. The aspartic acid at codon 62 is replaced by asparagine, an amino acid with highly similar properties. This amino acid position is highly conserved in available vertebrate species. In addition, the in silico prediction for this alteration is inconclusive. Since supporting evidence is limited at this time, the clinical significance of this alteration remains unclear.

Fulgent Genetics
Classification: Uncertain significance for Brachyrachia (short spine dysplasia); Metatropic dysplasia; Parastremmatic dwarfism; Scapuloperoneal spinal muscular atrophy; Spondyloepimetaphyseal dysplasia, Maroteaux type; Spondylometaphyseal dysplasia, Kozlowski type; Neuronopathy, distal hereditary motor, autosomal dominant 8; Charcot-Marie-Tooth disease axonal type 2C; Familial digital arthropathy-brachydactyly; Sodium serum level quantitative trait locus 1; Avascular necrosis of femoral head, primary, 2. Last evaluated: 2018-10-31. Review status: criteria provided, single submitter. Criteria: ACMG Guidelines, 2015. Collection method: clinical testing. Allele origin: unknown.

Molecular Genetics Laboratory, London Health Sciences Centre
Classification: Uncertain significance for Charcot-Marie-Tooth disease. Review status: criteria provided, single submitter. Criteria: ACMG Guidelines, 2015. Collection method: clinical testing. Allele origin: germline. Affected: yes.

Solve-RD Consortium
Classification: Likely pathogenic for Familial digital arthropathy-brachydactyly. Last evaluated: 2022-06-01. Review status: no assertion criteria provided. Collection method: provider interpretation. Allele origin: inherited. Affected: yes. Not counted in ClinVar's aggregate classification.
Comment: Variant confirmed as disease-causing by referring clinical team

Variant identified during reanalysis of unsolved cases by the Solve-RD project. The Solve-RD project has received funding from the European Union’s Horizon 2020 research and innovation programme under grant agreement No 779257.

Genesis Genome Database
Classification: Uncertain significance for Distal spinal muscular atrophy. Last evaluated: 2019-08-14. Review status: no assertion criteria provided. Collection method: research. Allele origin: germline. Affected: yes. Not counted in ClinVar's aggregate classification.

Literature cited by the submitters: PubMed 25900305 (cited by Labcorp Genetics (formerly Invitae), Labcorp and Ambry Genetics); PubMed 39825153 (cited by Labcorp Genetics (formerly Invitae), Labcorp and Solve-RD Consortium); PubMed 26392352 (cited by Ambry Genetics); PubMed 28251916 (cited by Ambry Genetics).